The following is an entry in ClinVar:

ClinVar aggregate classification (germline): Likely benign (1 of 4 stars; one submission).

Allele frequency attached by ClinVar (database versions not stated): gnomAD exomes below 0.00001.
gnomAD v4.1: 1 of 1,614,076 alleles (0.000062%); highest among the groups gnomAD compares: Non-Finnish European, 0.000085%; no homozygotes.

Submission:

CeGaT Center for Human Genetics Tuebingen
Classification: Likely benign. Last evaluated: 2024-06-01. Review status: criteria provided, single submitter. Criteria: CeGaT Center For Human Genetics Tuebingen Variant Classification Criteria Version 2. Collection method: clinical testing. Allele origin: germline. Affected: yes. Observed: 1 variant allele.
Comment: PIK3R1: PM2:Supporting, BP4, BP7

NM_181523.3(PIK3R1):c.1971T>C (p.Tyr657=)

Gene: PIK3R1 (phosphoinositide-3-kinase regulatory subunit 1; plus strand). Cytogenetic location: 5q13.1.
Variant type: single nucleotide variant.
Coding change: c.1971T>C on transcript NM_181523.3 (MANE Select); coding-DNA position 1971, T replaced by C.
Protein change: p.Tyr657=; no amino-acid change (tyrosine 657 retained).
Molecular consequence: synonymous variant.
Genome position (GRCh38, 1-based): chr5:68,296,327, T>C. VCF-style: chr5-68296327-T-C. GRCh37 (hg19) VCF-style: chr5-67592155-T-C.
Other names: c.882T>C, p.Tyr294= (NM_001242466.2); c.1161T>C, p.Tyr387= (NM_181504.4); c.1071T>C, p.Tyr357= (NM_181524.2).
Identifiers: ClinVar variation 3251074 (VCV003251074.18), dbSNP rs515726151.
Genomic context (GRCh38, chr5:68,296,327, plus strand): 5'-GTTGCGAGGGAAGCGAGATGGCACTTTTCTTGTCCGGGAGAGCAGTAAACAGGGCTGCTA[T>C]GCCTGCTCTGTAGTGTATGTATCTCCAGCAAACTTTTCTTTACAACATCTCATGAAGAGA-3'
Protein context (NP_852664.1, residues 647-667): LVRESSKQGC[Tyr657=]ACSVVVDGEV